The following is an entry in ClinVar:

ClinVar aggregate classification (germline): Pathogenic/Likely pathogenic. Review status: criteria provided, multiple submitters, no conflicts (2 of 4 stars). 2 submissions from 2 submitters: Pathogenic (1); Likely pathogenic (1). Last evaluated 2023-10-16.

Conditions:
Cholestanol storage disease (CTX). Also called: CEREBRAL CHOLESTERINOSIS; Cerebrotendinous Xanthomatosis; CTX: Cerebrotendinous xanthomatosis. Identifiers: Orphanet 909, MedGen C0238052, MONDO:0008948, OMIM 213700.

Allele frequency attached by ClinVar (database versions not stated): gnomAD 0.00001; TOPMed 0.00001.

Submissions (2):

Baylor Genetics
Classification: Likely pathogenic for Cholestanol storage disease. Last evaluated: 2023-10-16. Review status: criteria provided, single submitter. Criteria: ACMG Guidelines, 2015. Collection method: clinical testing. Allele origin: unknown.

Labcorp Genetics (formerly Invitae), Labcorp
Classification: Pathogenic for Cholestanol storage disease. Last evaluated: 2023-05-19. Review status: criteria provided, single submitter. Criteria: Invitae Variant Classification Sherloc (09022015). Collection method: clinical testing. Allele origin: germline.
Comment: This sequence change creates a premature translational stop signal (p.Asp183Metfs*4) in the CYP27A1 gene. It is expected to result in an absent or disrupted protein product. Loss-of-function variants in CYP27A1 are known to be pathogenic (PMID: 9392430, 10775536, 26937392). This variant is not present in population databases (gnomAD no frequency). This variant has not been reported in the literature in individuals affected with CYP27A1-related conditions. Algorithms developed to predict the effect of sequence changes on RNA splicing suggest that this variant may create or strengthen a splice site. For these reasons, this variant has been classified as Pathogenic.

Literature cited by the submitters: PubMed 9392430 (cited by Labcorp Genetics (formerly Invitae), Labcorp); PubMed 10775536 (cited by Labcorp Genetics (formerly Invitae), Labcorp); PubMed 26937392 (cited by Labcorp Genetics (formerly Invitae), Labcorp).

NM_000784.4(CYP27A1):c.547del (p.Asp183fs)

Gene: CYP27A1 (cytochrome P450 family 27 subfamily A member 1; plus strand). Cytogenetic location: 2q35.
Variant type: Deletion.
Coding change: c.547del on transcript NM_000784.4 (MANE Select); coding-DNA position 547, one base deleted (G; older notation c.547delG).
Protein change: p.Asp183fs; shifts the reading frame from aspartic acid 183.
Molecular consequence: frameshift variant.
Genome position (GRCh38, 1-based): chr2:218,812,322, G deleted. VCF-style (leftmost placement, unchanged base first): chr2-218812321-TG-T. GRCh37 (hg19) VCF-style: chr2-219677044-TG-T.
Other names: short protein forms D183fs.
Identifiers: ClinVar variation 2674706 (VCV002674706.4), dbSNP rs1339553782, ClinGen allele CA764916552.
Genomic context (GRCh38, chr2:218,812,321, plus strand): 5'-CCAGCGGTTGCTGAAGCCAGCGGAAGCAGCGCTCTATACGGATGCTTTCAATGAGGTGAT[TG>T]ATGACTTTATGACTCGACTGGACCAGCTGCGGGCAGAGAGTGCTTCGGGGAACCAGGTGT-3'